The following is an entry in ClinVar:

NM_152424.4(AMER1):c.1255C>T (p.Pro419Ser)

Gene: AMER1 (APC membrane recruitment protein 1; minus strand). Cytogenetic location: Xq11.2.
Variant type: single nucleotide variant.
Coding change: c.1255C>T on transcript NM_152424.4 (MANE Select); coding-DNA position 1255, C replaced by T.
Protein change: p.Pro419Ser; replaces proline 419 with serine.
Molecular consequence: missense variant.
Genome position (GRCh38, 1-based): chrX:64,192,032, G>A on the plus strand (C>T on the coding strand, the complement: AMER1 is on the minus strand). VCF-style: chrX-64192032-G-A. GRCh37 (hg19) VCF-style: chrX-63411912-G-A.
Other names: short protein forms P419S.
Identifiers: ClinVar variation 3683073 (VCV003683073.2).

ClinVar aggregate classification (germline): Uncertain significance (1 of 4 stars; one submission).

Submission:

Labcorp Genetics (formerly Invitae), Labcorp
Classification: Uncertain significance. Last evaluated: 2024-07-23. Review status: criteria provided, single submitter. Criteria: Invitae Variant Classification Sherloc (09022015). Collection method: clinical testing. Allele origin: germline.
Comment: This sequence change replaces proline, which is neutral and non-polar, with serine, which is neutral and polar, at codon 419 of the AMER1 protein (p.Pro419Ser). This variant is not present in population databases (gnomAD no frequency). This variant has not been reported in the literature in individuals affected with AMER1-related conditions. An algorithm developed to predict the effect of missense changes on protein structure and function outputs the following: PolyPhen-2: "Benign". The serine amino acid residue is found in multiple mammalian species, which suggests that this missense change does not adversely affect protein function. In summary, the available evidence is currently insufficient to determine the role of this variant in disease. Therefore, it has been classified as a Variant of Uncertain Significance.